The following is an entry in ClinVar:

NM_006947.4(SRP72):c.1839G>T (p.Leu613=)

Gene: SRP72 (signal recognition particle 72; plus strand). Cytogenetic location: 4q12.
Variant type: single nucleotide variant.
Coding change: c.1839G>T on transcript NM_006947.4 (MANE Select); coding-DNA position 1839, G replaced by T.
Protein change: p.Leu613=; no amino-acid change (leucine 613 retained).
Molecular consequence: synonymous variant. On other transcripts: non-coding transcript variant (1).
Genome position (GRCh38, 1-based): chr4:56,501,684, G>T. VCF-style: chr4-56501684-G-T. GRCh37 (hg19) VCF-style: chr4-57367850-G-T.
Other names: c.1656G>T, p.Leu552= (NM_001267722.2); c.1839G>T (NM_006947.3).
Identifiers: ClinVar variation 2166995 (VCV002166995.5), dbSNP rs184026875, ClinGen allele CA2931505.

ClinVar aggregate classification (germline): Uncertain significance. Review status: criteria provided, multiple submitters, no conflicts (2 of 4 stars). 2 submissions from 2 submitters: Uncertain significance (2). Last evaluated 2025-04-17.

Allele frequency attached by ClinVar (database versions not stated): gnomAD 0.00003; TOPMed 0.00003; ExAC 0.00004; 1000 Genomes Project 30x 0.00016; 1000 Genomes Project 0.00020.
gnomAD v4.1: 40 of 1,612,158 alleles (0.0025%); highest among the groups gnomAD compares: East Asian, 0.085%; no homozygotes.

Submissions (2):

Labcorp Genetics (formerly Invitae), Labcorp
Classification: Uncertain significance. Last evaluated: 2025-04-17. Review status: criteria provided, single submitter. Criteria: Invitae Variant Classification Sherloc (09022015). Collection method: clinical testing. Allele origin: germline.
Comment: This sequence change affects codon 613 of the SRP72 mRNA. It is a 'silent' change, meaning that it does not change the encoded amino acid sequence of the SRP72 protein. It affects a nucleotide within the consensus splice site. This variant is present in population databases (rs184026875, gnomAD 0.05%). This variant has not been reported in the literature in individuals affected with SRP72-related conditions. ClinVar contains an entry for this variant (Variation ID: 2166995). Algorithms developed to predict the effect of sequence changes on RNA splicing suggest that this variant may disrupt the consensus splice site. In summary, the available evidence is currently insufficient to determine the role of this variant in disease. Therefore, it has been classified as a Variant of Uncertain Significance.

GeneDx
Classification: Uncertain significance. Last evaluated: 2024-02-21. Review status: criteria provided, single submitter. Criteria: GeneDx Variant Classification Process June 2021. Collection method: clinical testing. Allele origin: germline. Affected: yes.
Comment: In silico analysis is inconclusive as to whether the variant alters gene splicing. In the absence of RNA/functional studies, the actual effect of this sequence change is unknown.; Has not been previously published as pathogenic or benign to our knowledge